The following is an entry in ClinVar:

NM_013432.5(TONSL):c.562A>G (p.Ser188Gly)

Gene: TONSL (tonsoku like, DNA repair protein; minus strand). Cytogenetic location: 8q24.3.
Variant type: single nucleotide variant.
Coding change: c.562A>G on transcript NM_013432.5 (MANE Select); coding-DNA position 562, A replaced by G.
Protein change: p.Ser188Gly; replaces serine 188 with glycine.
Molecular consequence: missense variant.
Genome position (GRCh38, 1-based): chr8:144,442,693, T>C on the plus strand (A>G on the coding strand, the complement: TONSL is on the minus strand). VCF-style: chr8-144442693-T-C. GRCh37 (hg19) VCF-style: chr8-145668076-T-C.
Other names: short protein forms S188G.
Identifiers: ClinVar variation 1960789 (VCV001960789.5), dbSNP rs1473343650, ClinGen allele CA372677217.

ClinVar aggregate classification (germline): Uncertain significance (1 of 4 stars; one submission).

Allele frequency attached by ClinVar (database versions not stated): gnomAD exomes 0.00002.
gnomAD v4.1: 23 of 1,612,800 alleles (0.0014%); highest among the groups gnomAD compares: Non-Finnish European, 0.0019%; no homozygotes.

Submission:

Labcorp Genetics (formerly Invitae), Labcorp
Classification: Uncertain significance. Last evaluated: 2022-07-23. Review status: criteria provided, single submitter. Criteria: Invitae Variant Classification Sherloc (09022015). Collection method: clinical testing. Allele origin: germline.
Comment: In summary, the available evidence is currently insufficient to determine the role of this variant in disease. Therefore, it has been classified as a Variant of Uncertain Significance. Algorithms developed to predict the effect of missense changes on protein structure and function are either unavailable or do not agree on the potential impact of this missense change (SIFT: "Tolerated"; PolyPhen-2: "Possibly Damaging"; Align-GVGD: "Class C0"). This variant has not been reported in the literature in individuals affected with TONSL-related conditions. This variant is present in population databases (no rsID available, gnomAD 0.0009%). This sequence change replaces serine, which is neutral and polar, with glycine, which is neutral and non-polar, at codon 188 of the TONSL protein (p.Ser188Gly).